The following is an entry in ClinVar:

NM_152269.5(MTRFR):c.414A>G (p.Lys138=)

Gene: MTRFR (mitochondrial translation release factor in rescue; plus strand). Cytogenetic location: 12q24.31.
Variant type: single nucleotide variant.
Coding change: c.414A>G on transcript NM_152269.5 (MANE Select); coding-DNA position 414, A replaced by G.
Protein change: p.Lys138=; no amino-acid change (lysine 138 retained).
Molecular consequence: synonymous variant.
Genome position (GRCh38, 1-based): chr12:123,256,944, A>G. VCF-style: chr12-123256944-A-G. GRCh37 (hg19) VCF-style: chr12-123741491-A-G.
Other names: c.414A>G, p.Lys138= (NM_001143905.2, NM_001194995.1).
Identifiers: ClinVar variation 3026471 (VCV003026471.22), dbSNP rs2547600366, ClinGen allele CA482450379.
Genomic context (GRCh38, chr12:123,256,944, plus strand): 5'-TTTCTACAATGGTGAAAACAGTCCTGTTCACAAAGAAAAACGAGAAGCGGCGAAGAAAAA[A>G]CAAGAAAGGAAAAAAAGAGCAAAGGAAACCCTGGAAAAAAAGAAGCTACTTAAAGAACTG-3'
Protein context (NP_689482.1, residues 128-148): HKEKREAAKK[Lys138=]QERKKRAKET

ClinVar aggregate classification (germline): Likely benign (1 of 4 stars; one submission).

Allele frequency attached by ClinVar (database versions not stated): gnomAD exomes below 0.00001.
gnomAD v4.1: 3 of 1,613,866 alleles (0.00019%); highest among the groups gnomAD compares: Non-Finnish European, 0.00017%; no homozygotes.

Submission:

CeGaT Center for Human Genetics Tuebingen
Classification: Likely benign. Last evaluated: 2024-02-01. Review status: criteria provided, single submitter. Criteria: CeGaT Center For Human Genetics Tuebingen Variant Classification Criteria Version 2. Collection method: clinical testing. Allele origin: germline. Affected: yes. Observed: 1 variant allele.
Comment: MTRFR: PM2:Supporting, BP4, BP7